The following is an entry in ClinVar:

Single allele

Genes: CYP4V2 (cytochrome P450 family 4 subfamily V member 2; plus strand), F11 (coagulation factor XI; plus strand), FAT1 (FAT atypical cadherin 1; minus strand), KLKB1 (kallikrein B1; plus strand), MTNR1A (melatonin receptor 1A; minus strand). Cytogenetic location: 4q35.2.
Variant type: Duplication.
Identifiers: ClinVar variation 560078 (VCV000560078.3).

ClinVar aggregate classification (germline): Uncertain significance (1 of 4 stars; one submission).

Submission:

Geisinger Autism and Developmental Medicine Institute, Geisinger Health System
Classification: Uncertain significance. Last evaluated: 2017-05-01. Review status: criteria provided, single submitter. Criteria: ACMG CNV Guidelines, 2011. Collection method: provider interpretation. Allele origin: unknown.
Comment: Parental studies were never performed, so inheritance is unknown.